The following is an entry in ClinVar:

ClinVar aggregate classification (germline): Conflicting classifications of pathogenicity. Review status: criteria provided, conflicting classifications (1 of 4 stars). 2 submissions from 2 submitters: Uncertain significance (1); Likely benign (1). Last evaluated 2021-12-06.

Conditions:
Inborn genetic diseases. Identifiers: MedGen C0950123, MeSH D030342.
Hereditary spastic paraplegia 11. Also called: Spastic Paraplegia 11; Nakamura Osame syndrome; Autosomal recessive hereditary spastic paraplegia, mental impairment, and thin corpus callosum; SPASTIC PARAPLEGIA, AUTOSOMAL RECESSIVE, COMPLICATED, WITH THIN CORPUS CALLOSUM; SPASTIC PARAPLEGIA, AUTOSOMAL RECESSIVE, WITH MENTAL IMPAIRMENT AND THIN CORPUS CALLOSUM; Spastic paraplegia, mental retardation and thin corpus callosum. Identifiers: Orphanet 2822, MedGen C1858479, MONDO:0011445, OMIM 604360.

Allele frequency attached by ClinVar (database versions not stated): ExAC 0.00001; gnomAD 0.00001; TOPMed 0.00002.

Submissions (2):

Ambry Genetics
Classification: Likely benign for Inborn genetic diseases. Last evaluated: 2021-12-06. Review status: criteria provided, single submitter. Criteria: Ambry Variant Classification Scheme 2023. Collection method: clinical testing. Allele origin: germline.

Labcorp Genetics (formerly Invitae), Labcorp
Classification: Uncertain significance for Hereditary spastic paraplegia 11. Last evaluated: 2021-09-01. Review status: criteria provided, single submitter. Criteria: Invitae Variant Classification Sherloc (09022015). Collection method: clinical testing. Allele origin: germline.
Comment: This sequence change replaces threonine with alanine at codon 1500 of the SPG11 protein (p.Thr1500Ala). The threonine residue is weakly conserved and there is a small physicochemical difference between threonine and alanine. This variant is present in population databases (rs758867131, ExAC 0.01%). This variant has not been reported in the literature in individuals affected with SPG11-related conditions. Algorithms developed to predict the effect of missense changes on protein structure and function output the following: SIFT: "Tolerated"; PolyPhen-2: "Benign"; Align-GVGD: "Class C0". The alanine amino acid residue is found in multiple mammalian species, which suggests that this missense change does not adversely affect protein function. In summary, the available evidence is currently insufficient to determine the role of this variant in disease. Therefore, it has been classified as a Variant of Uncertain Significance.

NM_025137.4(SPG11):c.4498A>G (p.Thr1500Ala)

Gene: SPG11 (SPG11 vesicle trafficking associated, spatacsin; minus strand). Cytogenetic location: 15q21.1.
Variant type: single nucleotide variant.
Coding change: c.4498A>G on transcript NM_025137.4 (MANE Select); coding-DNA position 4498, A replaced by G.
Protein change: p.Thr1500Ala; replaces threonine 1500 with alanine.
Molecular consequence: missense variant.
Genome position (GRCh38, 1-based): chr15:44,595,396, T>C on the plus strand (A>G on the coding strand, the complement: SPG11 is on the minus strand). VCF-style: chr15-44595396-T-C. GRCh37 (hg19) VCF-style: chr15-44887594-T-C.
Other names: c.4498A>G, p.Thr1500Ala (NM_001160227.2); c.4498A>G (NM_025137.3); short protein forms T1500A.
Identifiers: ClinVar variation 1467161 (VCV001467161.6), dbSNP rs758867131, ClinGen allele CA7534657.